The following is an entry in ClinVar:

ClinVar aggregate classification (germline): Benign/Likely benign. Review status: criteria provided, multiple submitters, no conflicts (2 of 4 stars). 3 submissions from 3 submitters: Benign (1); Likely benign (2). Last evaluated 2025-12-03.

Conditions:
Hereditary cancer-predisposing syndrome. Also called: Neoplastic Syndromes, Hereditary; Tumor predisposition; Hereditary Cancer Syndrome; Hereditary neoplastic syndrome. Identifiers: Orphanet 140162, MedGen C0027672, MeSH D009386, MONDO:0015356.
Multiple endocrine neoplasia, type 1 (MEN1). Also called: MEA I; MEN I; WERMER SYNDROME; Endocrine adenomatosis multiple; MEN 1. Identifiers: Orphanet 652, MedGen C0025267, MeSH D018761, MONDO:0007540, OMIM 131100.

Allele frequency attached by ClinVar (database versions not stated): gnomAD exomes below 0.00001; TOPMed below 0.00001; ExAC 0.00001; gnomAD 0.00001.
gnomAD v4.1: 3 of 1,614,048 alleles (0.00019%); highest among the groups gnomAD compares: South Asian, 0.0022%; no homozygotes.

Submissions (3):

Labcorp Genetics (formerly Invitae), Labcorp
Classification: Likely benign for Multiple endocrine neoplasia, type 1. Last evaluated: 2025-12-03. Review status: criteria provided, single submitter. Criteria: Invitae Variant Classification Sherloc (09022015). Collection method: clinical testing. Allele origin: germline.

Myriad Genetics, Inc.
Classification: Benign for Multiple endocrine neoplasia, type 1. Last evaluated: 2024-11-01. Review status: criteria provided, single submitter. Criteria: Myriad Autosomal Dominant, Autosomal Recessive and X-Linked Classification Criteria (2023). Collection method: clinical testing. Allele origin: unknown.
Comment: This variant is considered benign. This variant is a silent/synonymous amino acid change and it is not expected to impact splicing.

Ambry Genetics
Classification: Likely benign for Hereditary cancer-predisposing syndrome. Last evaluated: 2022-07-25. Review status: criteria provided, single submitter. Criteria: Ambry Variant Classification Scheme 2023. Collection method: clinical testing. Allele origin: germline.

NM_001370259.2(MEN1):c.522C>T (p.His174=)

Gene: MEN1 (menin 1; minus strand). Cytogenetic location: 11q13.1.
Variant type: single nucleotide variant.
Coding change: c.522C>T on transcript NM_001370259.2 (MANE Select); coding-DNA position 522, C replaced by T.
Protein change: p.His174=; no amino-acid change (histidine 174 retained).
Molecular consequence: synonymous variant. On other transcripts: non-coding transcript variant (4).
Genome position (GRCh38, 1-based): chr11:64,808,023, G>A on the plus strand (C>T on the coding strand, the complement: MEN1 is on the minus strand). VCF-style: chr11-64808023-G-A. GRCh37 (hg19) VCF-style: chr11-64575495-G-A.
Other names: c.537C>T, p.His179= (NM_000244.4, NM_001407145.1, NM_001407150.1 and 5 more transcripts); c.522C>T, p.His174= (NM_001370251.2, NM_001370260.2, NM_001370261.2 and 12 more transcripts).
Identifiers: ClinVar variation 1746204 (VCV001746204.4), dbSNP rs751487458, ClinGen allele CA061266.